The following is an entry in ClinVar:

NM_001267550.2(TTN):c.43764dup (p.Thr14589fs)

Gene: TTN (titin; minus strand). Cytogenetic location: 2q31.2.
Variant type: Duplication.
Coding change: c.43764dup on transcript NM_001267550.2 (MANE Select); coding-DNA position 43764, one base duplicated (T; older notation c.43764dupT).
Protein change: p.Thr14589fs; shifts the reading frame from threonine 14589.
Molecular consequence: frameshift variant.
Genome position (GRCh38, 1-based): chr2:178,631,284, A duplicated on the plus strand (T on the coding strand, the reverse complement: TTN is on the minus strand); the first of 4 consecutive A bases (chr2:178,631,284-178,631,287); duplicating any one gives the same sequence. VCF-style (leftmost placement, unchanged base first): chr2-178631283-T-TA. GRCh37 (hg19) VCF-style: chr2-179496010-T-TA.
Other names: c.43764dupT (NM_001267550.2); c.38841dup, p.Thr12948fs (NM_001256850.1); c.16569dup, p.Thr5524fs (NM_003319.4); c.36060dup, p.Thr12021fs (NM_133378.4); c.16944dup, p.Thr5649fs (NM_133432.3); c.17145dup, p.Thr5716fs (NM_133437.4); short protein forms T5649fs, T5716fs, T12021fs, T12948fs, T14589fs, T5524fs.
Identifiers: ClinVar variation 4995215 (VCV004995215.1).

ClinVar aggregate classification (germline): Likely pathogenic (1 of 4 stars; one submission).

Conditions:
TTN-related disorder. Also called: TTN-related condition; TTN-related disease; TTN-related disorders.

Submission:

PreventionGenetics, part of Exact Sciences
Classification: Likely pathogenic for TTN-related condition. Last evaluated: 2026-09-05. Review status: criteria provided, single submitter. Criteria: ACMG Guidelines, 2015. Collection method: clinical testing. Allele origin: germline.
Comment: The TTN c.43764dupT variant is predicted to result in a frameshift and premature protein termination (p.Thr14589Tyrfs*14). This variant is located in the TTN protein I-band region. RNAseq studies from heart tissue indicate this exon is commonly included in TTN mRNA transcripts (PSI of 100%, Roberts et al. 2015. PubMed ID: 25589632). TTN loss-of-function variants occurring in constitutively expressed exons (PSI > 90%) are more likely to be disease causing for TTN cardiac-related disorders regardless of band location (Roberts et al. 2015. PubMed ID: 25589632; Schafer et al. 2017 PubMed ID: 27869827; Akhtar et al. 2020. PubMed ID: 32964742). Many cases of recessive TTN-related myopathies in which the individual is compound heterozygous for two loss-of-function variants in TTN have also been reported (Ge et al. 2019. PubMed ID: 31053406; Oates et al. 2018. PubMed ID: 29691892; Rees et al. 2021. PubMed ID: 33449170). In summary, this variant is categorized as likely pathogenic. Of note, this variant is considered likely pathogenic for increased risk of TTN-related cardiac disorders, and also for autosomal recessive TTN-related congenital titinopathies. This variant is interpreted as likely pathogenic.